The following is an entry in ClinVar:

NM_020680.4(SCYL1):c.1740C>A (p.Leu580=)

Gene: SCYL1 (SCY1 like pseudokinase 1; plus strand). Cytogenetic location: 11q13.1.
Variant type: single nucleotide variant.
Coding change: c.1740C>A on transcript NM_020680.4 (MANE Select); coding-DNA position 1740, C replaced by A.
Protein change: p.Leu580=; no amino-acid change (leucine 580 retained).
Molecular consequence: synonymous variant.
Genome position (GRCh38, 1-based): chr11:65,536,674, C>A. VCF-style: chr11-65536674-C-A. GRCh37 (hg19) VCF-style: chr11-65304145-C-A.
Other names: c.1740C>A, p.Leu580= (NM_001048218.2).
Identifiers: ClinVar variation 726134 (VCV000726134.4), dbSNP rs368948887, ClinGen allele CA6099912.

ClinVar aggregate classification (germline): Likely benign. Review status: criteria provided, multiple submitters, no conflicts (2 of 4 stars). 2 submissions from 2 submitters: Likely benign (2). Last evaluated 2024-12-16.

Conditions:
SCYL1-related disorder. Also called: SCYL1-related condition.

Allele frequency attached by ClinVar (database versions not stated): gnomAD exomes 0.00004; gnomAD 0.00005; TOPMed 0.00006; ESP Exome Variant Server 0.00023.
gnomAD v4.1: 129 of 1,613,928 alleles (0.008%); highest among the groups gnomAD compares: Non-Finnish European, 0.01%; no homozygotes.

Submissions (2):

PreventionGenetics, part of Exact Sciences
Classification: Likely benign for SCYL1-related condition. Last evaluated: 2024-12-16. Review status: criteria provided, single submitter. Criteria: ACMG Guidelines, 2015. Collection method: clinical testing. Allele origin: germline.
Comment: This variant is classified as likely benign based on ACMG/AMP sequence variant interpretation guidelines (Richards et al. 2015 PMID: 25741868, with internal and published modifications).

Labcorp Genetics (formerly Invitae), Labcorp
Classification: Likely benign. Last evaluated: 2018-02-25. Review status: criteria provided, single submitter. Criteria: Invitae Variant Classification Sherloc (09022015). Collection method: clinical testing. Allele origin: germline.